The following is an entry in ClinVar:

ClinVar aggregate classification (germline): Uncertain significance (1 of 4 stars; one submission).

Conditions:
Cardiovascular phenotype. Identifiers: MedGen CN230736.

gnomAD v4.1: 32 of 1,612,562 alleles (0.002%); highest among the groups gnomAD compares: East Asian, 0.022%; no homozygotes.

Submission:

Ambry Genetics
Classification: Uncertain significance for Cardiovascular phenotype. Last evaluated: 2025-06-15. Review status: criteria provided, single submitter. Criteria: Ambry Variant Classification Scheme 2023. Collection method: clinical testing. Allele origin: germline.
Comment: The p.V137M variant (also known as c.409G>A), located in coding exon 4 of the TBX5 gene, results from a G to A substitution at nucleotide position 409. The valine at codon 137 is replaced by methionine, an amino acid with highly similar properties. This amino acid position is conserved. In addition, this alteration is predicted to be deleterious by in silico analysis. Based on the available evidence, the clinical significance of this variant remains unclear.

NM_181486.4(TBX5):c.409G>A (p.Val137Met)

Gene: TBX5 (T-box transcription factor 5; minus strand). Cytogenetic location: 12q24.21.
Variant type: single nucleotide variant.
Coding change: c.409G>A on transcript NM_181486.4 (MANE Select); coding-DNA position 409, G replaced by A.
Protein change: p.Val137Met; replaces valine 137 with methionine.
Molecular consequence: missense variant.
Genome position (GRCh38, 1-based): chr12:114,398,674, C>T on the plus strand (G>A on the coding strand, the complement: TBX5 is on the minus strand). VCF-style: chr12-114398674-C-T. GRCh37 (hg19) VCF-style: chr12-114836479-C-T.
Other names: c.409G>A, p.Val137Met (NM_000192.3); c.259G>A, p.Val87Met (NM_080717.4); short protein forms V137M, V87M.
Identifiers: ClinVar variation 3804947 (VCV003804947.2).
Genomic context (GRCh38, chr12:114,398,674, plus strand): 5'-TCTGGAAGGAGACGAGCTGCCTCATCCAATGCGCCCCGGTGGCGGGGGAGTCTGGGTGCA[C>T]GTACAGGCGGCCAGGCATGGCGGGCTCAGCTTTGCCCGTCACAGACCTAGATGAAGGAGA-3'
Protein context (NP_852259.1, residues 127-147): AEPAMPGRLY[Val137Met]HPDSPATGAH